The following is an entry in ClinVar:

ClinVar aggregate classification (germline): Uncertain significance (1 of 4 stars; one submission).

Conditions:
Inborn genetic diseases. Identifiers: MedGen C0950123, MeSH D030342.

Submission:

Ambry Genetics
Classification: Uncertain significance for Inborn genetic diseases. Last evaluated: 2025-12-31. Review status: criteria provided, single submitter. Criteria: Ambry Variant Classification Scheme 2023. Collection method: clinical testing. Allele origin: germline.
Comment: The p.E144* variant (also known as c.430G>T), located in coding exon 1 of the CEBPA gene, results from a G to T substitution at nucleotide position 430. This changes the amino acid from a glutamic acid to a stop codon within coding exon 1. Premature termination codons are typically deleterious in nature; however, because CEBPA is a single-exon gene, this alteration is not expected to trigger nonsense-mediated mRNA decay, and an altered protein could still be expressed (Maquat LE. Nat Rev Mol Cell Biol, 2004 Feb;5:89-99). This alteration impacts the last 60% of the protein. This shortened protein is unlikely to be functional. However, loss of function of CEBPA has not been established as a mechanism of disease. Based on the available evidence, the clinical significance of this variant remains unclear.

NM_004364.5(CEBPA):c.430G>T (p.Glu144Ter)

Gene: CEBPA (CCAAT enhancer binding protein alpha; minus strand). Cytogenetic location: 19q13.11.
Variant type: single nucleotide variant.
Coding change: c.430G>T on transcript NM_004364.5 (MANE Select); coding-DNA position 430, G replaced by T.
Protein change: p.Glu144Ter; replaces glutamic acid 144 with a stop codon.
Molecular consequence: nonsense.
Genome position (GRCh38, 1-based): chr19:33,301,985, C>A on the plus strand (G>T on the coding strand, the complement: CEBPA is on the minus strand). VCF-style: chr19-33301985-C-A. GRCh37 (hg19) VCF-style: chr19-33792891-C-A.
Other names: c.535G>T, p.Glu179Ter (NM_001287424.2); c.388G>T, p.Glu130Ter (NM_001287435.2); c.73G>T, p.Glu25Ter (NM_001285829.2); short protein forms E130*, E25*, E144*, E179*.
Identifiers: ClinVar variation 4843292 (VCV004843292.1).